The following is an entry in ClinVar:

NM_014270.5(SLC7A9):c.164T>A (p.Val55Glu)

Gene: SLC7A9 (solute carrier family 7 member 9; minus strand). Cytogenetic location: 19q13.11.
Variant type: single nucleotide variant.
Coding change: c.164T>A on transcript NM_014270.5 (MANE Select); coding-DNA position 164, T replaced by A.
Protein change: p.Val55Glu; replaces valine 55 with glutamic acid.
Molecular consequence: missense variant.
Genome position (GRCh38, 1-based): chr19:32,864,700, A>T on the plus strand (T>A on the coding strand, the complement: SLC7A9 is on the minus strand). VCF-style: chr19-32864700-A-T. GRCh37 (hg19) VCF-style: chr19-33355606-A-T.
Other names: c.164T>A, p.Val55Glu (NM_001126335.2, NM_001243036.2); short protein forms V55E.
Identifiers: ClinVar variation 4526242 (VCV004526242.1).

ClinVar aggregate classification (germline): Uncertain significance (1 of 4 stars; one submission).

gnomAD v4.1: 2 of 1,614,172 alleles (0.00012%); highest among the groups gnomAD compares: Non-Finnish European, 0.00017%; no homozygotes.

Submission:

Women's Health and Genetics/Laboratory Corporation of America, LabCorp
Classification: Uncertain significance. Last evaluated: 2025-07-23. Review status: criteria provided, single submitter. Criteria: LabCorp Variant Classification Summary - May 2015. Collection method: clinical testing. Allele origin: germline.
Comment: Variant summary: SLC7A9 c.164T>A (p.Val55Glu) results in a non-conservative amino acid change in the encoded protein sequence. Algorithms developed to predict the effect of missense changes on protein structure and function all suggest that this variant is likely to be disruptive. The variant was absent in 251436 control chromosomes. The available data on variant occurrences in the general population are insufficient to allow any conclusion about variant significance. c.164T>A has been observed in the compound heterozygous state in at least one individual with clinical features of Cystinuria (Bekheirnia_2020). These data do not allow any conclusion about variant significance. To our knowledge, no experimental evidence demonstrating an impact on protein function has been reported. The following publication have been ascertained in the context of this evaluation (PMID: 35368817). No submitters have cited clinical-significance assessments for this variant to ClinVar. Based on the evidence outlined above, the variant was classified as uncertain significance.

Literature cited by the submitters: PubMed 35368817.